The following is an entry in ClinVar:

NM_001849.4(COL6A2):c.1619G>T (p.Gly540Val)

Gene: COL6A2 (collagen type VI alpha 2 chain; plus strand). Cytogenetic location: 21q22.3.
Variant type: single nucleotide variant.
Coding change: c.1619G>T on transcript NM_001849.4 (MANE Select); coding-DNA position 1619, G replaced by T.
Protein change: p.Gly540Val; replaces glycine 540 with valine.
Molecular consequence: missense variant.
Genome position (GRCh38, 1-based): chr21:46,122,885, G>T. VCF-style: chr21-46122885-G-T. GRCh37 (hg19) VCF-style: chr21-47542799-G-T.
Other names: c.1619G>T, p.Gly540Val (NM_058174.3, NM_058175.3); short protein forms G540V.
Identifiers: ClinVar variation 1375769 (VCV001375769.6), dbSNP rs2123650884, ClinGen allele CA410534705.

ClinVar aggregate classification (germline): Uncertain significance (1 of 4 stars; one submission).

Conditions:
Bethlem myopathy 1A. Also called: Bethlem myopathy 1; Bethlem Muscular Dystrophy; MYOPATHY, BENIGN CONGENITAL, WITH CONTRACTURES. Identifiers: Orphanet 610, MedGen CN029274, MONDO:0024530, OMIM 158810.

Submission:

Labcorp Genetics (formerly Invitae), Labcorp
Classification: Uncertain significance for Bethlem myopathy 1A. Last evaluated: 2022-06-15. Review status: criteria provided, single submitter. Criteria: Invitae Variant Classification Sherloc (09022015). Collection method: clinical testing. Allele origin: germline.
Comment: In summary, the available evidence is currently insufficient to determine the role of this variant in disease. Therefore, it has been classified as a Variant of Uncertain Significance. This variant disrupts the triple helix domain of COL6A2. Glycine residues within the Gly-Xaa-Yaa repeats of the triple helix domain are required for the structure and stability of fibrillar collagens (PMID: 7695699, 8218237, 19344236). In COL6A2, missense variants at these glycine residues are significantly enriched in individuals with autosomal dominant disease (PMID: 15689448, 24038877) compared to the general population (ExAC). Advanced modeling of protein sequence and biophysical properties (such as structural, functional, and spatial information, amino acid conservation, physicochemical variation, residue mobility, and thermodynamic stability) performed at Invitae indicates that this missense variant is expected to disrupt COL6A2 protein function. This variant has not been reported in the literature in individuals affected with COL6A2-related conditions. This variant is not present in population databases (gnomAD no frequency). This sequence change replaces glycine, which is neutral and non-polar, with valine, which is neutral and non-polar, at codon 540 of the COL6A2 protein (p.Gly540Val).

Literature cited by the submitters: PubMed 7695699; PubMed 8218237; PubMed 19344236; PubMed 15689448; PubMed 24038877.